The following is an entry in ClinVar:

ClinVar aggregate classification (germline): Uncertain significance. Review status: criteria provided, multiple submitters, no conflicts (2 of 4 stars). 3 submissions from 3 submitters: Uncertain significance (3). Last evaluated 2025-10-28.

Conditions:
Charcot-Marie-Tooth disease type 2. Also called: Charcot-Marie-Tooth type 2. Identifiers: Orphanet 64746, MedGen C0270914, MONDO:0018993.

Submissions (3):

Women's Health and Genetics/Laboratory Corporation of America, LabCorp
Classification: Uncertain significance. Last evaluated: 2025-10-28. Review status: criteria provided, single submitter. Criteria: LabCorp Variant Classification Summary - May 2015. Collection method: clinical testing. Allele origin: germline.
Comment: Variant summary: BSCL2 c.577G>A (p.Val193Met) results in a conservative amino acid change in the encoded protein sequence. Algorithms developed to predict the effect of missense changes on protein structure and function all suggest that this variant is likely to be tolerated. The variant allele was found at a frequency of 1.2e-05 in 250796 control chromosomes (gnomAD). The available data on variant occurrences in the general population are insufficient to allow any conclusion about variant significance. To our knowledge, no occurrence of c.577G>A in individuals affected with BSCL2-related conditions and no experimental evidence demonstrating its impact on protein function have been reported. ClinVar contains an entry for this variant (Variation ID: 3366150). Based on the evidence outlined above, the variant was classified as uncertain significance.

Labcorp Genetics (formerly Invitae), Labcorp
Classification: Uncertain significance for Charcot-Marie-Tooth disease type 2. Last evaluated: 2025-09-10. Review status: criteria provided, single submitter. Criteria: Invitae Variant Classification Sherloc (09022015). Collection method: clinical testing. Allele origin: germline.
Comment: This sequence change replaces valine, which is neutral and non-polar, with methionine, which is neutral and non-polar, at codon 193 of the BSCL2 protein (p.Val193Met). This variant is present in population databases (rs779513433, gnomAD 0.005%). This variant has not been reported in the literature in individuals affected with BSCL2-related conditions. ClinVar contains an entry for this variant (Variation ID: 3366150). Invitae Evidence Modeling of protein sequence and biophysical properties (such as structural, functional, and spatial information, amino acid conservation, physicochemical variation, residue mobility, and thermodynamic stability) indicates that this missense variant is not expected to disrupt BSCL2 protein function with a negative predictive value of 80%. In summary, the available evidence is currently insufficient to determine the role of this variant in disease. Therefore, it has been classified as a Variant of Uncertain Significance.

GeneDx
Classification: Uncertain significance. Last evaluated: 2023-10-17. Review status: criteria provided, single submitter. Criteria: GeneDx Variant Classification Process June 2021. Collection method: clinical testing. Allele origin: germline. Affected: yes.
Comment: In silico analysis supports that this missense variant does not alter protein structure/function; Has not been previously published as pathogenic or benign to our knowledge

NM_001122955.4(BSCL2):c.769G>A (p.Val257Met)

Genes: BSCL2 (BSCL2 lipid droplet biogenesis associated, seipin; minus strand), HNRNPUL2-BSCL2 (HNRNPUL2-BSCL2 readthrough (NMD candidate); minus strand). Cytogenetic location: 11q12.3.
Variant type: single nucleotide variant.
Coding change: c.769G>A on transcript NM_001122955.4 (MANE Select); coding-DNA position 769, G replaced by A.
Protein change: p.Val257Met; replaces valine 257 with methionine.
Molecular consequence: missense variant. On other transcripts: non-coding transcript variant (1).
Genome position (GRCh38, 1-based): chr11:62,692,470, C>T on the plus strand (G>A on the coding strand, the complement: BSCL2 is on the minus strand). VCF-style: chr11-62692470-C-T. GRCh37 (hg19) VCF-style: chr11-62459942-C-T.
Other names: c.577G>A, p.Val193Met (NM_001130702.2, NM_032667.6); c.769G>A, p.Val257Met (NM_001386027.1, NM_001386028.1); short protein forms V193M, V257M.
Identifiers: ClinVar variation 3366150 (VCV003366150.3).